The following is an entry in ClinVar:

NM_000135.4(FANCA):c.3290C>A (p.Ala1097Glu)

Gene: FANCA (FA complementation group A; minus strand). Cytogenetic location: 16q24.3.
Variant type: single nucleotide variant.
Coding change: c.3290C>A on transcript NM_000135.4 (MANE Select); coding-DNA position 3290, C replaced by A.
Protein change: p.Ala1097Glu; replaces alanine 1097 with glutamic acid.
Molecular consequence: missense variant.
Genome position (GRCh38, 1-based): chr16:89,748,717, G>T on the plus strand (C>A on the coding strand, the complement: FANCA is on the minus strand). VCF-style: chr16-89748717-G-T. GRCh37 (hg19) VCF-style: chr16-89815125-G-T.
Other names: c.3290C>A, p.Ala1097Glu (NM_001286167.3); short protein forms A1097E.
Identifiers: ClinVar variation 4022183 (VCV004022183.1).

ClinVar aggregate classification (germline): Uncertain significance (1 of 4 stars; one submission).

Conditions:
Inborn genetic diseases. Identifiers: MedGen C0950123, MeSH D030342.

Submission:

Ambry Genetics
Classification: Uncertain significance for Inborn genetic diseases. Last evaluated: 2025-04-13. Review status: criteria provided, single submitter. Criteria: Ambry Variant Classification Scheme 2023. Collection method: clinical testing. Allele origin: germline.
Comment: The p.A1097E variant (also known as c.3290C>A), located in coding exon 33 of the FANCA gene, results from a C to A substitution at nucleotide position 3290. The alanine at codon 1097 is replaced by glutamic acid, an amino acid with dissimilar properties. This amino acid position is conserved. In addition, this alteration is predicted to be tolerated by in silico analysis. Based on the available evidence, the clinical significance of this variant remains unclear.